The following is an entry in ClinVar:

ClinVar aggregate classification (germline): Uncertain significance (1 of 4 stars; one submission).

Allele frequency attached by ClinVar (database versions not stated): gnomAD exomes below 0.00001.
gnomAD v4.1: 5 of 1,613,362 alleles (0.00031%); highest among the groups gnomAD compares: Admixed American, 0.0033%; no homozygotes.

Submission:

Labcorp Genetics (formerly Invitae), Labcorp
Classification: Uncertain significance. Last evaluated: 2022-04-13. Review status: criteria provided, single submitter. Criteria: Invitae Variant Classification Sherloc (09022015). Collection method: clinical testing. Allele origin: germline.
Comment: In summary, the available evidence is currently insufficient to determine the role of this variant in disease. Therefore, it has been classified as a Variant of Uncertain Significance. Algorithms developed to predict the effect of missense changes on protein structure and function (SIFT, PolyPhen-2, Align-GVGD) all suggest that this variant is likely to be tolerated. This variant has not been reported in the literature in individuals affected with ERBB2-related conditions. This variant is present in population databases (no rsID available, gnomAD 0.006%). This sequence change replaces proline, which is neutral and non-polar, with alanine, which is neutral and non-polar, at codon 1175 of the ERBB2 protein (p.Pro1175Ala).

NM_004448.4(ERBB2):c.3523C>G (p.Pro1175Ala)

Gene: ERBB2 (erb-b2 receptor tyrosine kinase 2; plus strand). Cytogenetic location: 17q12.
Variant type: single nucleotide variant.
Coding change: c.3523C>G on transcript NM_004448.4 (MANE Select); coding-DNA position 3523, C replaced by G.
Protein change: p.Pro1175Ala; replaces proline 1175 with alanine.
Molecular consequence: missense variant. On other transcripts: 3 prime UTR variant (2), non-coding transcript variant (1).
Genome position (GRCh38, 1-based): chr17:39,727,799, C>G. VCF-style: chr17-39727799-C-G. GRCh37 (hg19) VCF-style: chr17-37884052-C-G.
Other names: c.3433C>G, p.Pro1145Ala (NM_001005862.3, NM_001382782.1, NM_001382783.1); c.3478C>G, p.Pro1160Ala (NM_001289936.2); c.*102C>G (NM_001289937.2, NM_001382803.1); c.3640C>G, p.Pro1214Ala (NM_001382784.1); c.3625C>G, p.Pro1209Ala (NM_001382785.1); c.3604C>G, p.Pro1202Ala (NM_001382786.1); c.3598C>G, p.Pro1200Ala (NM_001382787.1); c.3553C>G, p.Pro1185Ala (NM_001382788.1); and 16 more; short protein forms P1123A, P1161A, P1175A, P1115A, P1142A, P1159A, P1160A, P1172A.
Identifiers: ClinVar variation 1927139 (VCV001927139.5), dbSNP rs1437065997, ClinGen allele CA399313307.